The following is an entry in ClinVar:

ClinVar aggregate classification (germline): Uncertain significance (1 of 4 stars; one submission).

Submission:

Labcorp Genetics (formerly Invitae), Labcorp
Classification: Uncertain significance. Last evaluated: 2022-04-03. Review status: criteria provided, single submitter. Criteria: Invitae Variant Classification Sherloc (09022015). Collection method: clinical testing. Allele origin: germline.
Comment: This sequence change replaces lysine, which is basic and polar, with asparagine, which is neutral and polar, at codon 732 of the CDHR1 protein (p.Lys732Asn). This variant is not present in population databases (gnomAD no frequency). This variant has not been reported in the literature in individuals affected with CDHR1-related conditions. Advanced modeling of protein sequence and biophysical properties (such as structural, functional, and spatial information, amino acid conservation, physicochemical variation, residue mobility, and thermodynamic stability) performed at Invitae indicates that this missense variant is not expected to disrupt CDHR1 protein function. In summary, the available evidence is currently insufficient to determine the role of this variant in disease. Therefore, it has been classified as a Variant of Uncertain Significance.

NM_033100.4(CDHR1):c.2196G>T (p.Lys732Asn)

Gene: CDHR1 (cadherin related family member 1; plus strand). Cytogenetic location: 10q23.1.
Variant type: single nucleotide variant.
Coding change: c.2196G>T on transcript NM_033100.4 (MANE Select); coding-DNA position 2196, G replaced by T.
Protein change: p.Lys732Asn; replaces lysine 732 with asparagine.
Molecular consequence: missense variant. On other transcripts: intron variant (1).
Genome position (GRCh38, 1-based): chr10:84,214,237, G>T. VCF-style: chr10-84214237-G-T. GRCh37 (hg19) VCF-style: chr10-85973993-G-T.
Other names: c.2040+889G>T (NM_001171971.3); short protein forms K732N.
Identifiers: ClinVar variation 2121191 (VCV002121191.4), dbSNP rs2492549215, ClinGen allele CA377379472.